The following is an entry in ClinVar:

ClinVar aggregate classification (germline): Uncertain significance (1 of 4 stars; one submission).

Conditions:
Bardet-Biedl syndrome (BBS). Identifiers: Orphanet 110, MedGen C0752166, MONDO:0015229.

gnomAD v4.1: 1 of 1,614,074 alleles (0.000062%); no homozygotes.

Submission:

Labcorp Genetics (formerly Invitae), Labcorp
Classification: Uncertain significance for Bardet-Biedl syndrome. Last evaluated: 2021-07-08. Review status: criteria provided, single submitter. Criteria: Invitae Variant Classification Sherloc (09022015). Collection method: clinical testing. Allele origin: germline.
Comment: This sequence change replaces isoleucine with lysine at codon 699 of the BBS12 protein (p.Ile699Lys). The isoleucine residue is weakly conserved and there is a moderate physicochemical difference between isoleucine and lysine. This variant is not present in population databases (ExAC no frequency). This variant has not been reported in the literature in individuals affected with BBS12-related conditions. Algorithms developed to predict the effect of missense changes on protein structure and function output the following: SIFT: "Tolerated"; PolyPhen-2: "Benign"; Align-GVGD: "Class C0". The lysine amino acid residue is found in multiple mammalian species, which suggests that this missense change does not adversely affect protein function. In summary, the available evidence is currently insufficient to determine the role of this variant in disease. Therefore, it has been classified as a Variant of Uncertain Significance.

NM_152618.3(BBS12):c.2096T>A (p.Ile699Lys)

Gene: BBS12 (Bardet-Biedl syndrome 12; plus strand). Cytogenetic location: 4q27.
Variant type: single nucleotide variant.
Coding change: c.2096T>A on transcript NM_152618.3 (MANE Select); coding-DNA position 2096, T replaced by A.
Protein change: p.Ile699Lys; replaces isoleucine 699 with lysine.
Molecular consequence: missense variant.
Genome position (GRCh38, 1-based): chr4:122,743,988, T>A. VCF-style: chr4-122743988-T-A. GRCh37 (hg19) VCF-style: chr4-123665143-T-A.
Other names: c.2096T>A, p.Ile699Lys (NM_001178007.2); short protein forms I699K.
Identifiers: ClinVar variation 1366348 (VCV001366348.8), dbSNP rs762266326, ClinGen allele CA358226551.
Genomic context (GRCh38, chr4:122,743,988, plus strand): 5'-TAGTATTGTTAGTACTTCAGACAGACAGTGAAATAATTACTGGACATGGACACACACAGA[T>A]AAATTCACAGGAATTAACGGGCTTTCTATTTTTGTAGTGTTACTGGCTAAGTCTTTGGAA-3'
Protein context (NP_689831.2, residues 689-709): EIITGHGHTQ[Ile699Lys]NSQELTGFLF